The following is an entry in ClinVar:

NM_052989.3(IFT122):c.2683G>A (p.Val895Ile)

Gene: IFT122 (intraflagellar transport 122; plus strand). Cytogenetic location: 3q22.1.
Variant type: single nucleotide variant.
Coding change: c.2683G>A on transcript NM_052989.3 (MANE Select); coding-DNA position 2683, G replaced by A.
Protein change: p.Val895Ile; replaces valine 895 with isoleucine.
Molecular consequence: missense variant.
Genome position (GRCh38, 1-based): chr3:129,506,441, G>A. VCF-style: chr3-129506441-G-A. GRCh37 (hg19) VCF-style: chr3-129225284-G-A.
Other names: c.2659G>A, p.Val887Ile (NM_001280541.2); c.2233G>A, p.Val745Ile (NM_001280545.2); c.2056G>A, p.Val686Ile (NM_001280546.2); c.2683G>A, p.Val895Ile (NM_001410808.1); c.2629G>A, p.Val877Ile (NM_001410809.1); c.2506G>A, p.Val836Ile (NM_001410810.1, NM_018262.4); c.2452G>A, p.Val818Ile (NM_001410811.1, NM_001410813.1); c.2350G>A, p.Val784Ile (NM_001410815.1, NM_052990.3); and 2 more; short protein forms V818I, V887I, V745I, V784I, V836I, V895I, V946I, V686I.
Identifiers: ClinVar variation 2104713 (VCV002104713.4), dbSNP rs2532525040, ClinGen allele CA354484834.

ClinVar aggregate classification (germline): Uncertain significance (1 of 4 stars; one submission).

Conditions:
Cranioectodermal dysplasia 1 (CED1). Also called: LEVIN SYNDROME I. Identifiers: Orphanet 1515, MedGen C0432235, MONDO:0021093, OMIM 218330.

Submission:

Labcorp Genetics (formerly Invitae), Labcorp
Classification: Uncertain significance for Cranioectodermal dysplasia 1. Last evaluated: 2022-02-28. Review status: criteria provided, single submitter. Criteria: Invitae Variant Classification Sherloc (09022015). Collection method: clinical testing. Allele origin: germline.
Comment: In summary, the available evidence is currently insufficient to determine the role of this variant in disease. Therefore, it has been classified as a Variant of Uncertain Significance. Algorithms developed to predict the effect of missense changes on protein structure and function (SIFT, PolyPhen-2, Align-GVGD) all suggest that this variant is likely to be tolerated. This variant has not been reported in the literature in individuals affected with IFT122-related conditions. This variant is not present in population databases (gnomAD no frequency). This sequence change replaces valine, which is neutral and non-polar, with isoleucine, which is neutral and non-polar, at codon 946 of the IFT122 protein (p.Val946Ile).